The following is an entry in ClinVar:

NM_002734.5(PRKAR1A):c.1102C>G (p.Arg368Gly)

Gene: PRKAR1A (protein kinase cAMP-dependent type I regulatory subunit alpha; plus strand). Cytogenetic location: 17q24.2.
Variant type: single nucleotide variant.
Coding change: c.1102C>G on transcript NM_002734.5 (MANE Select); coding-DNA position 1102, C replaced by G.
Protein change: p.Arg368Gly; replaces arginine 368 with glycine.
Molecular consequence: missense variant. On other transcripts: intron variant (1).
Genome position (GRCh38, 1-based): chr17:68,530,405, C>G. VCF-style: chr17-68530405-C-G. GRCh37 (hg19) VCF-style: chr17-66526546-C-G.
Other names: c.1102C>G, p.Arg368Gly (NM_001276289.2, NM_001278433.2, NM_001369389.1 and 3 more transcripts); c.973+404C>G (NM_001276290.1); short protein forms R368G.
Identifiers: ClinVar variation 1792765 (VCV001792765.2), dbSNP rs387906692, ClinGen allele CA400754856.

ClinVar aggregate classification (germline): Uncertain significance (1 of 4 stars; one submission).

Conditions:
Hereditary cancer-predisposing syndrome. Also called: Tumor predisposition; Hereditary Cancer Syndrome; Neoplastic Syndromes, Hereditary; Hereditary neoplastic syndrome. Identifiers: Orphanet 140162, MedGen C0027672, MeSH D009386, MONDO:0015356.

Submission:

Ambry Genetics
Classification: Uncertain significance for Hereditary cancer-predisposing syndrome. Last evaluated: 2022-04-04. Review status: criteria provided, single submitter. Criteria: Ambry Variant Classification Scheme 2023. Collection method: clinical testing. Allele origin: germline.
Comment: The p.R368G variant (also known as c.1102C>G), located in coding exon 10 of the PRKAR1A gene, results from a C to G substitution at nucleotide position 1102. The arginine at codon 368 is replaced by glycine, an amino acid with dissimilar properties. This amino acid position is conserved. In addition, this alteration is predicted to be deleterious by in silico analysis. Since supporting evidence is limited at this time, the clinical significance of this alteration remains unclear.